The following is an entry in ClinVar:

NC_000015.9:g.(?_77287915)_(77310892_?)dup

Gene: PSTPIP1 (proline-serine-threonine phosphatase interacting protein 1; plus strand). Cytogenetic location: 15q24.3.
Variant type: Duplication.
Identifiers: ClinVar variation 3243783 (VCV003243783.1).

ClinVar aggregate classification (germline): Uncertain significance (1 of 4 stars; one submission).

Conditions:
Pyogenic arthritis-pyoderma gangrenosum-acne syndrome (PAPA). Also called: FAMILIAL RECURRENT ARTHRITIS; PAPA SYNDROME. Identifiers: Orphanet 69126, MedGen C1858361, MONDO:0011462, OMIM 604416.

Submission:

Labcorp Genetics (formerly Invitae), Labcorp
Classification: Uncertain significance for Pyogenic arthritis-pyoderma gangrenosum-acne syndrome. Last evaluated: 2023-12-18. Review status: criteria provided, single submitter. Criteria: Invitae Variant Classification Sherloc (09022015). Collection method: clinical testing. Allele origin: unknown.
Comment: This variant results in a copy number gain of the genomic region encompassing exon(s) 1-3 of the PSTPIP1 gene. This region includes the initiator codon of the gene. This copy number gain extends beyond the assayed region for this gene and therefore may encompass additional genes. As the precise location of this event is unknown, it may be in tandem or it may be located elsewhere in the genome. This variant has not been reported in the literature in individuals affected with PSTPIP1-related conditions. Experimental studies and prediction algorithms are not available or were not evaluated, and the functional significance of this variant is currently unknown. In summary, the available evidence is currently insufficient to determine the role of this variant in disease. Therefore, it has been classified as a Variant of Uncertain Significance.